The following is an entry in ClinVar:

ClinVar aggregate classification (germline): Uncertain significance (1 of 4 stars; one submission).

Submission:

GeneDx
Classification: Uncertain significance. Last evaluated: 2026-04-14. Review status: criteria provided, single submitter. Criteria: GeneDx Variant Classification Process June 2021. Collection method: clinical testing. Allele origin: germline.
Comment: Not observed at significant frequency in large population cohorts (gnomAD); In silico analysis supports that this missense variant has a deleterious effect on protein structure/function; Has not been previously published as pathogenic or benign to our knowledge

NM_001035.3(RYR2):c.6266A>G (p.His2089Arg)

Gene: RYR2 (ryanodine receptor 2; plus strand). Cytogenetic location: 1q43.
Variant type: single nucleotide variant.
Coding change: c.6266A>G on transcript NM_001035.3 (MANE Select); coding-DNA position 6266, A replaced by G.
Protein change: p.His2089Arg; replaces histidine 2089 with arginine.
Molecular consequence: missense variant.
Genome position (GRCh38, 1-based): chr1:237,627,906, A>G. VCF-style: chr1-237627906-A-G. GRCh37 (hg19) VCF-style: chr1-237791206-A-G.
Other names: short protein forms H2089R.
Identifiers: ClinVar variation 5036963 (VCV005036963.1).